The following is an entry in ClinVar:

NM_001371533.1(FUT8):c.55G>C (p.Gly19Arg)

Gene: FUT8 (fucosyltransferase 8; plus strand). Cytogenetic location: 14q23.3.
Variant type: single nucleotide variant.
Coding change: c.55G>C on transcript NM_001371533.1 (MANE Select); coding-DNA position 55, G replaced by C.
Protein change: p.Gly19Arg; replaces glycine 19 with arginine.
Molecular consequence: missense variant. On other transcripts: non-coding transcript variant (1), intron variant (1).
Genome position (GRCh38, 1-based): chr14:65,561,618, G>C. VCF-style: chr14-65561618-G-C. GRCh37 (hg19) VCF-style: chr14-66028336-G-C.
Other names: c.55G>C, p.Gly19Arg (NM_001371534.1, NM_001371536.1, NM_178155.3 and 1 more transcripts); c.-286-54360G>C (NM_004480.4); short protein forms G19R.
Identifiers: ClinVar variation 1690906 (VCV001690906.2), dbSNP rs2140044417, ClinGen allele CA390119826.

ClinVar aggregate classification (germline): Uncertain significance (1 of 4 stars; one submission).

Submission:

Laboratorio de Genetica e Diagnostico Molecular, Hospital Israelita Albert Einstein
Classification: Uncertain significance. Last evaluated: 2020-06-30. Review status: criteria provided, single submitter. Criteria: ACMG Guidelines, 2015. Collection method: clinical testing. Allele origin: germline. Affected: yes.
Comment: ACMG classification criteria: PM2